The following is an entry in ClinVar:

ClinVar aggregate classification (germline): Uncertain significance (1 of 4 stars; one submission).

Conditions:
Hereditary cancer-predisposing syndrome. Also called: Neoplastic Syndromes, Hereditary; Tumor predisposition; Hereditary neoplastic syndrome; Hereditary Cancer Syndrome. Identifiers: Orphanet 140162, MedGen C0027672, MeSH D009386, MONDO:0015356.

Submission:

Ambry Genetics
Classification: Uncertain significance for Hereditary cancer-predisposing syndrome. Last evaluated: 2022-12-08. Review status: criteria provided, single submitter. Criteria: Ambry Variant Classification Scheme 2023. Collection method: clinical testing. Allele origin: germline.
Comment: The p.F757I variant (also known as c.2269T>A), located in coding exon 20 of the TSC2 gene, results from a T to A substitution at nucleotide position 2269. The phenylalanine at codon 757 is replaced by isoleucine, an amino acid with highly similar properties. This amino acid position is conserved. In addition, the in silico prediction for this alteration is inconclusive. Since supporting evidence is limited at this time, the clinical significance of this alteration remains unclear.

NM_000548.5(TSC2):c.2269T>A (p.Phe757Ile)

Gene: TSC2 (TSC complex subunit 2; plus strand). Cytogenetic location: 16p13.3.
Variant type: single nucleotide variant.
Coding change: c.2269T>A on transcript NM_000548.5 (MANE Select); coding-DNA position 2269, T replaced by A.
Protein change: p.Phe757Ile; replaces phenylalanine 757 with isoleucine.
Molecular consequence: missense variant. On other transcripts: non-coding transcript variant (5).
Genome position (GRCh38, 1-based): chr16:2,072,897, T>A. VCF-style: chr16-2072897-T-A. GRCh37 (hg19) VCF-style: chr16-2122898-T-A.
Other names: c.2269T>A, p.Phe757Ile (NM_001077183.3, NM_001114382.3, NM_001363528.2 and 6 more transcripts); c.2158T>A, p.Phe720Ile (NM_001318827.2, NM_001406670.1, NM_001406678.1); c.2122T>A, p.Phe708Ile (NM_001318829.2, NM_001406675.1, NM_001406676.1 and 1 more transcripts); c.1669T>A, p.Phe557Ile (NM_001318831.2, NM_001406680.1, NM_001406682.1 and 6 more transcripts); c.2302T>A, p.Phe768Ile (NM_001318832.2); c.2359T>A, p.Phe787Ile (NM_001406667.1, NM_001406668.1); c.2257T>A, p.Phe753Ile (NM_001406671.1, NM_001406673.1); c.2212T>A, p.Phe738Ile (NM_001406677.1); and 3 more; short protein forms F708I, F557I, F753I, F223I, F768I, F787I, F309I, F603I.
Identifiers: ClinVar variation 2449968 (VCV002449968.2), dbSNP rs2543764591, ClinGen allele CA394276545.